The following is an entry in ClinVar:

ClinVar aggregate classification (germline): Uncertain significance (1 of 4 stars; one submission).

gnomAD v4.1: 1 of 1,612,112 alleles (0.000062%); no homozygotes.

Submission:

GeneDx
Classification: Uncertain significance. Last evaluated: 2022-11-01. Review status: criteria provided, single submitter. Criteria: GeneDx Variant Classification Process June 2021. Collection method: clinical testing. Allele origin: germline. Affected: yes.
Comment: Not observed at significant frequency in large population cohorts (gnomAD); In silico analysis supports that this variant does not alter splicing; Has not been previously published as pathogenic or benign to our knowledge

NM_001009944.3(PKD1):c.12402G>A (p.Leu4134=)

Gene: PKD1 (polycystin 1, transient receptor potential channel interacting; minus strand). Cytogenetic location: 16p13.3.
Variant type: single nucleotide variant.
Coding change: c.12402G>A on transcript NM_001009944.3 (MANE Select); coding-DNA position 12402, G replaced by A.
Protein change: p.Leu4134=; no amino-acid change (leucine 4134 retained).
Molecular consequence: synonymous variant.
Genome position (GRCh38, 1-based): chr16:2,090,327, C>T on the plus strand (G>A on the coding strand, the complement: PKD1 is on the minus strand). VCF-style: chr16-2090327-C-T. GRCh37 (hg19) VCF-style: chr16-2140328-C-T.
Other names: c.12399G>A, p.Leu4133= (NM_000296.4).
Identifiers: ClinVar variation 2500576 (VCV002500576.1), dbSNP rs1596473212, ClinGen allele CA493044206.